The following is an entry in ClinVar:

ClinVar aggregate classification (germline): Uncertain significance. Review status: criteria provided, multiple submitters, no conflicts (2 of 4 stars). 5 submissions from 5 submitters: Uncertain significance (5). Last evaluated 2025-11-03.

Conditions:
Hereditary cancer-predisposing syndrome. Also called: Tumor predisposition; Hereditary Cancer Syndrome; Hereditary neoplastic syndrome; Neoplastic Syndromes, Hereditary. Identifiers: Orphanet 140162, MedGen C0027672, MeSH D009386, MONDO:0015356.
Hereditary breast ovarian cancer syndrome. Also called: Breast and ovarian cancer; Hereditary breast and ovarian cancer syndrome; Hereditary breast and ovarian cancer; BRCA1- and BRCA2-Associated Hereditary Breast and Ovarian Cancer; Hereditary breast and ovarian cancer syndrome (HBOC); Hereditary breast and/or ovarian cancer syndrome. Identifiers: Orphanet 145, MedGen C0677776, MeSH D061325, MONDO:0003582. Disease mechanism: loss of function.
Breast-ovarian cancer, familial, susceptibility to, 2 (BROVCA2). Also called: BRCA2 Hereditary Breast and Ovarian Cancer. Identifiers: Orphanet 145, MedGen C2675520, MONDO:0012933, OMIM 612555. Disease mechanism: loss of function.

Allele frequency attached by ClinVar (database versions not stated): gnomAD exomes below 0.00001; ExAC 0.00001.
gnomAD v4.1: 5 of 1,614,004 alleles (0.00031%); highest among the groups gnomAD compares: Non-Finnish European, 0.00042%; no homozygotes.

Submissions (5):

Ambry Genetics
Classification: Uncertain significance for Hereditary cancer-predisposing syndrome. Last evaluated: 2025-11-03. Review status: criteria provided, single submitter. Criteria: Ambry Variant Classification Scheme 2023. Collection method: clinical testing. Allele origin: germline.

Labcorp Genetics (formerly Invitae), Labcorp
Classification: Uncertain significance for Hereditary breast ovarian cancer syndrome. Last evaluated: 2025-04-22. Review status: criteria provided, single submitter. Criteria: Invitae Variant Classification Sherloc (09022015). Collection method: clinical testing. Allele origin: germline.
Comment: This sequence change replaces proline, which is neutral and non-polar, with serine, which is neutral and polar, at codon 3209 of the BRCA2 protein (p.Pro3209Ser). This variant is present in population databases (rs730881572, gnomAD 0.0009%). This variant has not been reported in the literature in individuals affected with BRCA2-related conditions. ClinVar contains an entry for this variant (Variation ID: 182264). Invitae Evidence Modeling of protein sequence and biophysical properties (such as structural, functional, and spatial information, amino acid conservation, physicochemical variation, residue mobility, and thermodynamic stability) indicates that this missense variant is not expected to disrupt BRCA2 protein function with a negative predictive value of 95%. In summary, the available evidence is currently insufficient to determine the role of this variant in disease. Therefore, it has been classified as a Variant of Uncertain Significance.

All of Us Research Program, National Institutes of Health
Classification: Uncertain significance for Breast-ovarian cancer, familial, susceptibility to, 2. Last evaluated: 2023-10-30. Review status: criteria provided, single submitter. Criteria: ACMG Guidelines, 2015. Collection method: clinical testing. Allele origin: germline. Inheritance: Autosomal dominant inheritance. Observed: 2 variant alleles, 2 heterozygotes.
Comment: This study involves interpretation of variants in research participants for the purpose of population health screening. Participant phenotype was not available at the time of variant classification. Additional details can be found in publication PMID: 35346344, PMCID: PMC8962531

Color Diagnostics, LLC DBA Color Health
Classification: Uncertain significance for Hereditary cancer-predisposing syndrome. Last evaluated: 2019-06-11. Review status: criteria provided, single submitter. Criteria: ACMG Guidelines, 2015. Collection method: clinical testing. Allele origin: germline.

GeneDx
Classification: Uncertain significance. Last evaluated: 2019-04-18. Review status: criteria provided, single submitter. Criteria: GeneDx Variant Classification Process June 2021. Collection method: clinical testing. Allele origin: germline. Affected: yes.
Comment: Not observed at a significant frequency in large population cohorts (Lek et al., 2016); Has not been previously published as pathogenic or benign to our knowledge

NM_000059.4(BRCA2):c.9625C>T (p.Pro3209Ser)

Gene: BRCA2 (BRCA2 DNA repair associated; plus strand). Cytogenetic location: 13q13.1.
Variant type: single nucleotide variant.
Coding change: c.9625C>T on transcript NM_000059.4 (MANE Select); coding-DNA position 9625, C replaced by T.
Protein change: p.Pro3209Ser; replaces proline 3209 with serine.
Molecular consequence: missense variant.
Genome position (GRCh38, 1-based): chr13:32,397,021, C>T. VCF-style: chr13-32397021-C-T. GRCh37 (hg19) VCF-style: chr13-32971158-C-T.
Other names: p.P3209S:CCT>TCT; short protein forms P3209S.
Identifiers: ClinVar variation 182264 (VCV000182264.20), dbSNP rs730881572, ClinGen allele CA026239.